The following is an entry in ClinVar:

ClinVar aggregate classification (germline): Uncertain significance. Review status: criteria provided, multiple submitters, no conflicts (2 of 4 stars). 2 submissions from 2 submitters: Uncertain significance (2). Last evaluated 2025-03-19.

Conditions:
Hereditary cancer-predisposing syndrome. Also called: Neoplastic Syndromes, Hereditary; Hereditary neoplastic syndrome; Tumor predisposition; Hereditary Cancer Syndrome. Identifiers: Orphanet 140162, MedGen C0027672, MeSH D009386, MONDO:0015356.
Multiple endocrine neoplasia, type 2 (MEN2). Identifiers: Orphanet 653, MedGen C4048306, MONDO:0019003. Disease mechanism: gain of function.

Allele frequency attached by ClinVar (database versions not stated): gnomAD exomes below 0.00001; ExAC 0.00001.

Submissions (2):

Labcorp Genetics (formerly Invitae), Labcorp
Classification: Uncertain significance for Multiple endocrine neoplasia, type 2. Last evaluated: 2025-03-19. Review status: criteria provided, single submitter. Criteria: Invitae Variant Classification Sherloc (09022015). Collection method: clinical testing. Allele origin: germline.
Comment: This sequence change falls in intron 16 of the RET gene. It does not directly change the encoded amino acid sequence of the RET protein. It affects a nucleotide within the consensus splice site. This variant is present in population databases (rs768284486, gnomAD 0.007%). This variant has not been reported in the literature in individuals affected with RET-related conditions. ClinVar contains an entry for this variant (Variation ID: 1395989). Variants that disrupt the consensus splice site are a relatively common cause of aberrant splicing (PMID: 17576681, 9536098). Algorithms developed to predict the effect of sequence changes on RNA splicing suggest that this variant is not likely to affect RNA splicing. In summary, the available evidence is currently insufficient to determine the role of this variant in disease. Therefore, it has been classified as a Variant of Uncertain Significance.

Ambry Genetics
Classification: Uncertain significance for Hereditary cancer-predisposing syndrome. Last evaluated: 2022-09-16. Review status: criteria provided, single submitter. Criteria: Ambry Variant Classification Scheme 2023. Collection method: clinical testing. Allele origin: germline.
Comment: The c.2801+3A>G intronic variant results from an A to G substitution 3 nucleotides after coding exon 16 in the RET gene. This nucleotide position is not well conserved in available vertebrate species. In silico splice site analysis predicts that this alteration will not have any significant effect on splicing. Since supporting evidence is limited at this time, the clinical significance of this alteration remains unclear.

Literature cited by the submitters: PubMed 17576681 (cited by Labcorp Genetics (formerly Invitae), Labcorp); PubMed 9536098 (cited by Labcorp Genetics (formerly Invitae), Labcorp).

NM_020975.6(RET):c.2801+3A>G

Genes: RET (ret proto-oncogene; plus strand), LOC130003710 (ATAC-STARR-seq lymphoblastoid active region 3286; plus strand). Cytogenetic location: 10q11.21.
Variant type: single nucleotide variant.
Coding change: c.2801+3A>G on transcript NM_020975.6 (MANE Select); 3 bases into the intron after coding-DNA position 2801, A replaced by G.
Molecular consequence: intron variant.
Genome position (GRCh38, 1-based): chr10:43,122,019, A>G. VCF-style: chr10-43122019-A-G. GRCh37 (hg19) VCF-style: chr10-43617467-A-G.
Other names: c.2801+3A>G (NM_020630.7, NM_001406743.1, NM_001406744.1 and 2 more transcripts); c.2666+3A>G (NM_001406765.1, NM_001406763.1); c.2405+3A>G (NM_001406772.1, NM_001406769.1); c.2363+3A>G (NM_001406773.1, NM_001406771.1); c.1904+3A>G (NM_001406782.1, NM_001406780.1, NM_001406779.1 and 1 more transcripts); c.1769+3A>G (NM_001406787.1); c.1784+3A>G (NM_001406785.1); c.2672+3A>G (NM_001406764.1, NM_001406762.1, NM_001406761.1); and 10 more.
Identifiers: ClinVar variation 1395989 (VCV001395989.9), dbSNP rs768284486, ClinGen allele CA041014.